The following is an entry in ClinVar:

NM_000548.5(TSC2):c.2492dup (p.His832fs)

Gene: TSC2 (TSC complex subunit 2; plus strand). Cytogenetic location: 16p13.3.
Variant type: Duplication.
Coding change: c.2492dup on transcript NM_000548.5 (MANE Select); coding-DNA position 2492, one base duplicated (C; older notation c.2492dupC).
Protein change: p.His832fs; shifts the reading frame from histidine 832.
Molecular consequence: frameshift variant.
Genome position (GRCh38, 1-based): chr16:2,074,336, C duplicated. VCF-style (leftmost placement, unchanged base first): chr16-2074335-A-AC. GRCh37 (hg19) VCF-style: chr16-2124336-A-AC.
Other names: c.2492dup, p.His832fs (NM_001077183.3, NM_001114382.3, NM_001363528.2 and 3 more transcripts); c.2381dup, p.His795fs (NM_001318827.2); c.2345dup, p.His783fs (NM_001318829.2); c.1892dup, p.His632fs (NM_001318831.2); c.2525dup, p.His843fs (NM_001318832.2); short protein forms H795fs, H783fs, H832fs, H632fs, H843fs.
Identifiers: ClinVar variation 934794 (VCV000934794.1), dbSNP rs2088938668, ClinGen allele CA1139664314.
Genomic context (GRCh38, chr16:2,074,335, plus strand): 5'-TGCAGCGTGGAGATGCCTGACATCATCATCAAGGCGCTGCCTGTTCTGGTGGTGAAGCTC[A>AC]CGCACATCTCAGCCACAGCCAGCATGGCCGTCCCACTGCTGGAGTTCCTGTCCAGTGAGT-3'

ClinVar aggregate classification (germline): Pathogenic (1 of 4 stars; one submission).

Conditions:
Tuberous sclerosis 2 (TSC2). Identifiers: Orphanet 805, MedGen C1860707, MONDO:0013199, OMIM 613254.

Submission:

Labcorp Genetics (formerly Invitae), Labcorp
Classification: Pathogenic for Tuberous sclerosis 2. Last evaluated: 2019-06-11. Review status: criteria provided, single submitter. Criteria: Invitae Variant Classification Sherloc (09022015). Collection method: clinical testing. Allele origin: germline.
Comment: This sequence change creates a premature translational stop signal (p.His832Alafs*51) in the TSC2 gene. It is expected to result in an absent or disrupted protein product. This variant is not present in population databases (ExAC no frequency). This variant has not been reported in the literature in individuals with TSC2-related conditions. Loss-of-function variants in TSC2 are known to be pathogenic (PMID: 10205261, 17304050). For these reasons, this variant has been classified as Pathogenic.